The following is an entry in ClinVar:

ClinVar aggregate classification (germline): Uncertain significance (1 of 4 stars; one submission).

gnomAD v4.1: 2 of 1,614,016 alleles (0.00012%); highest among the groups gnomAD compares: Non-Finnish European, 0.00017%; no homozygotes.

Submission:

Labcorp Genetics (formerly Invitae), Labcorp
Classification: Uncertain significance. Last evaluated: 2024-02-10. Review status: criteria provided, single submitter. Criteria: Invitae Variant Classification Sherloc (09022015). Collection method: clinical testing. Allele origin: germline.
Comment: This sequence change replaces asparagine, which is neutral and polar, with serine, which is neutral and polar, at codon 235 of the C6 protein (p.Asn235Ser). This variant is not present in population databases (gnomAD no frequency). This variant has not been reported in the literature in individuals affected with C6-related conditions. An algorithm developed to predict the effect of missense changes on protein structure and function (PolyPhen-2) suggests that this variant is likely to be disruptive. In summary, the available evidence is currently insufficient to determine the role of this variant in disease. Therefore, it has been classified as a Variant of Uncertain Significance.

NM_000065.5(C6):c.704A>G (p.Asn235Ser)

Gene: C6 (complement C6; minus strand). Cytogenetic location: 5p13.1.
Variant type: single nucleotide variant.
Coding change: c.704A>G on transcript NM_000065.5 (MANE Select); coding-DNA position 704, A replaced by G.
Protein change: p.Asn235Ser; replaces asparagine 235 with serine.
Molecular consequence: missense variant.
Genome position (GRCh38, 1-based): chr5:41,186,092, T>C on the plus strand (A>G on the coding strand, the complement: C6 is on the minus strand). VCF-style: chr5-41186092-T-C. GRCh37 (hg19) VCF-style: chr5-41186194-T-C.
Other names: c.704A>G, p.Asn235Ser (NM_001115131.4); short protein forms N235S.
Identifiers: ClinVar variation 3680324 (VCV003680324.2).
Genomic context (GRCh38, chr5:41,186,092, plus strand): 5'-GACGGTGTTGGAGTTGCCACCATGCTAGGCTGTCATACCTCAAAGCCGACATTTTCCAGA[T>C]TGGCCGGAACACGGTATGGATTACTTGTCCTACTGCTTTTGACAGTTTTACATATTCCTC-3'
Protein context (NP_000056.2, residues 225-245): RTSNPYRVPA[Asn235Ser]LENVGFEVQT